The following is an entry in ClinVar:

ClinVar aggregate classification (germline): Uncertain significance (1 of 4 stars; one submission).

Submission:

Labcorp Genetics (formerly Invitae), Labcorp
Classification: Uncertain significance. Last evaluated: 2024-06-17. Review status: criteria provided, single submitter. Criteria: Invitae Variant Classification Sherloc (09022015). Collection method: clinical testing. Allele origin: germline.
Comment: This sequence change replaces alanine, which is neutral and non-polar, with valine, which is neutral and non-polar, at codon 580 of the DHX32 protein (p.Ala580Val). This variant is not present in population databases (gnomAD no frequency). This variant has not been reported in the literature in individuals affected with DHX32-related conditions. An algorithm developed to predict the effect of missense changes on protein structure and function (PolyPhen-2) suggests that this variant is likely to be disruptive. In summary, the available evidence is currently insufficient to determine the role of this variant in disease. Therefore, it has been classified as a Variant of Uncertain Significance.

NM_018180.3(DHX32):c.1739C>T (p.Ala580Val)

Genes: BCCIP (BRCA2 and CDKN1A interacting protein; plus strand), DHX32 (DEAH-box helicase 32 (putative); minus strand). Cytogenetic location: 10q26.2.
Variant type: single nucleotide variant.
Coding change: c.1739C>T on transcript NM_018180.3 (MANE Select); coding-DNA position 1739, C replaced by T.
Protein change: p.Ala580Val; replaces alanine 580 with valine.
Molecular consequence: missense variant. On other transcripts: intron variant (2).
Genome position (GRCh38, 1-based): chr10:125,839,143, G>A on the plus strand (C>T on the coding strand, the complement: DHX32 is on the minus strand). VCF-style: chr10-125839143-G-A. GRCh37 (hg19) VCF-style: chr10-127527712-G-A.
Other names: c.775-2112G>A (NM_016567.4, NM_078469.3); short protein forms A580V.
Identifiers: ClinVar variation 3651407 (VCV003651407.2).